The following is an entry in ClinVar:

NM_001271938.2(MEGF8):c.4640G>A (p.Arg1547Gln)

Gene: MEGF8 (multiple EGF like domains 8; plus strand). Cytogenetic location: 19q13.2.
Variant type: single nucleotide variant.
Coding change: c.4640G>A on transcript NM_001271938.2 (MANE Select); coding-DNA position 4640, G replaced by A.
Protein change: p.Arg1547Gln; replaces arginine 1547 with glutamine.
Molecular consequence: missense variant.
Genome position (GRCh38, 1-based): chr19:42,356,791, G>A. VCF-style: chr19-42356791-G-A. GRCh37 (hg19) VCF-style: chr19-42860943-G-A.
Other names: c.4439G>A, p.Arg1480Gln (NM_001410.3); short protein forms R1480Q, R1547Q.
Identifiers: ClinVar variation 1391040 (VCV001391040.6), dbSNP rs372798483, ClinGen allele CA9475332.

ClinVar aggregate classification (germline): Uncertain significance (1 of 4 stars; one submission).

Conditions:
MEGF8-related Carpenter syndrome. Also called: Carpenter syndrome 2. Identifiers: Orphanet 65759, MedGen C3554247, MONDO:0013998, OMIM 614976.

Allele frequency attached by ClinVar (database versions not stated): gnomAD 0.00001; gnomAD exomes 0.00001; TOPMed 0.00001; ExAC 0.00005; ESP Exome Variant Server 0.00008.
gnomAD v4.1: 11 of 1,552,062 alleles (0.00071%); highest among the groups gnomAD compares: East Asian, 0.0024%; no homozygotes.

Submission:

Labcorp Genetics (formerly Invitae), Labcorp
Classification: Uncertain significance for MEGF8-related Carpenter syndrome. Last evaluated: 2021-09-21. Review status: criteria provided, single submitter. Criteria: Invitae Variant Classification Sherloc (09022015). Collection method: clinical testing. Allele origin: germline.
Comment: This sequence change replaces arginine with glutamine at codon 1480 of the MEGF8 protein (p.Arg1480Gln). The arginine residue is moderately conserved and there is a small physicochemical difference between arginine and glutamine. This variant is present in population databases (rs372798483, ExAC 0.04%). This variant has not been reported in the literature in individuals affected with MEGF8-related conditions. Algorithms developed to predict the effect of missense changes on protein structure and function are either unavailable or do not agree on the potential impact of this missense change (SIFT: "Tolerated"; PolyPhen-2: "Possibly Damaging"; Align-GVGD: "Class C0"). In summary, the available evidence is currently insufficient to determine the role of this variant in disease. Therefore, it has been classified as a Variant of Uncertain Significance.